The following is an entry in ClinVar:

ClinVar aggregate classification (germline): Uncertain significance (1 of 4 stars; one submission).

Conditions:
Hereditary cancer-predisposing syndrome. Also called: Neoplastic Syndromes, Hereditary; Tumor predisposition; Hereditary Cancer Syndrome; Hereditary neoplastic syndrome. Identifiers: Orphanet 140162, MedGen C0027672, MeSH D009386, MONDO:0015356.

Submission:

Color Diagnostics, LLC DBA Color Health
Classification: Uncertain significance for Hereditary cancer-predisposing syndrome. Last evaluated: 2020-01-15. Review status: criteria provided, single submitter. Criteria: ACMG Guidelines, 2015. Collection method: clinical testing. Allele origin: germline.
Comment: This missense variant replaces glycine with valine at codon 514 of the ATM protein. Computational prediction tool suggests that this variant may not impact protein structure and function (internally defined REVEL score threshold ≤0.5, PMID: 27666373). Splice site prediction tools suggest that this variant may not impact RNA splicing. To our knowledge, functional studies have not been performed for this variant. This variant has not been reported in individuals affected with hereditary cancer in the literature. This variant has not been identified in the general population by the Genome Aggregation Database (gnomAD). The available evidence is insufficient to determine the role of this variant in disease conclusively. Therefore, this variant is classified as a Variant of Uncertain Significance.

NM_000051.4(ATM):c.1541G>T (p.Gly514Val)

Gene: ATM (ATM serine/threonine kinase; plus strand). Cytogenetic location: 11q22.3.
Variant type: single nucleotide variant.
Coding change: c.1541G>T on transcript NM_000051.4 (MANE Select); coding-DNA position 1541, G replaced by T.
Protein change: p.Gly514Val; replaces glycine 514 with valine.
Molecular consequence: missense variant.
Genome position (GRCh38, 1-based): chr11:108,251,006, G>T. VCF-style: chr11-108251006-G-T. GRCh37 (hg19) VCF-style: chr11-108121733-G-T.
Other names: c.1541G>T, p.Gly514Val (NM_001351834.2); short protein forms G514V.
Identifiers: ClinVar variation 919088 (VCV000919088.3), dbSNP rs2235000, ClinGen allele CA382534317.